The following is an entry in ClinVar:

ClinVar aggregate classification (germline): not provided (0 of 4 stars; one submission).

Allele frequency attached by ClinVar (database versions not stated): gnomAD 0.00003 and 0.00008; 1000 Genomes Project 30x 0.00031; 1000 Genomes Project 0.00040.
gnomAD v4.1: 11 of 134,622 alleles (0.0082%); highest among the groups gnomAD compares: East Asian, 0.23%; no homozygotes.

Submission:

Human Evolutionary Genetics, Institut Pasteur
No classification provided. Review status: no classification provided. Collection method: not provided. Allele origin: germline.
ClinVar note: Converted during submission from untested to not provided.

NM_001384950.1(NLRC5):c.3506+168G>A

Gene: NLRC5 (NLR family CARD domain containing 5; plus strand). Cytogenetic location: 16q13.
Variant type: single nucleotide variant.
Coding change: c.3506+168G>A on transcript NM_001384950.1 (MANE Select); 168 bases into the intron after coding-DNA position 3506, G replaced by A.
Molecular consequence: intron variant.
Genome position (GRCh38, 1-based): chr16:57,051,789, G>A. VCF-style: chr16-57051789-G-A. GRCh37 (hg19) VCF-style: chr16-57085701-G-A.
Other names: c.3506+168G>A (NM_001384954.1, NM_001384953.1, NM_001384957.1 and 16 more transcripts); c.3332+168G>A (NM_001384960.1); c.3416+168G>A (NM_001384967.1, NM_001384968.1); c.3422+168G>A (NM_001384965.1); c.3266+168G>A (NM_001384972.1).
Identifiers: ClinVar variation 103179 (VCV000103179.2), dbSNP rs199475997, ClinGen allele CA230225.